The following is an entry in ClinVar:

NM_001457.4(FLNB):c.5770G>A (p.Ala1924Thr)

Gene: FLNB (filamin B; plus strand). Cytogenetic location: 3p14.3.
Variant type: single nucleotide variant.
Coding change: c.5770G>A on transcript NM_001457.4 (MANE Select); coding-DNA position 5770, G replaced by A.
Protein change: p.Ala1924Thr; replaces alanine 1924 with threonine.
Molecular consequence: missense variant.
Genome position (GRCh38, 1-based): chr3:58,148,247, G>A. VCF-style: chr3-58148247-G-A. GRCh37 (hg19) VCF-style: chr3-58133974-G-A.
Other names: c.5863G>A, p.Ala1955Thr (NM_001164317.2); c.5737G>A, p.Ala1913Thr (NM_001164318.2); c.5698G>A, p.Ala1900Thr (NM_001164319.2); short protein forms A1955T, A1900T, A1913T, A1924T.
Identifiers: ClinVar variation 3020301 (VCV003020301.3), dbSNP rs1220784513, ClinGen allele CA353355577.

ClinVar aggregate classification (germline): Uncertain significance (1 of 4 stars; one submission).

gnomAD v4.1: 12 of 1,614,192 alleles (0.00074%); highest among the groups gnomAD compares: Middle Eastern, 0.016%; no homozygotes.

Submission:

Labcorp Genetics (formerly Invitae), Labcorp
Classification: Uncertain significance. Last evaluated: 2023-10-15. Review status: criteria provided, single submitter. Criteria: Invitae Variant Classification Sherloc (09022015). Collection method: clinical testing. Allele origin: germline.
Comment: This sequence change replaces alanine, which is neutral and non-polar, with threonine, which is neutral and polar, at codon 1924 of the FLNB protein (p.Ala1924Thr). This variant is present in population databases (no rsID available, gnomAD 0.009%). This variant has not been reported in the literature in individuals affected with FLNB-related conditions. Advanced modeling of protein sequence and biophysical properties (such as structural, functional, and spatial information, amino acid conservation, physicochemical variation, residue mobility, and thermodynamic stability) performed at Invitae indicates that this missense variant is not expected to disrupt FLNB protein function. In summary, the available evidence is currently insufficient to determine the role of this variant in disease. Therefore, it has been classified as a Variant of Uncertain Significance.